The following is an entry in ClinVar:

NM_006361.6(HOXB13):c.816G>T (p.Lys272Asn)

Gene: HOXB13 (homeobox B13; minus strand). Cytogenetic location: 17q21.32.
Variant type: single nucleotide variant.
Coding change: c.816G>T on transcript NM_006361.6 (MANE Select); coding-DNA position 816, G replaced by T.
Protein change: p.Lys272Asn; replaces lysine 272 with asparagine.
Molecular consequence: missense variant.
Genome position (GRCh38, 1-based): chr17:48,726,829, C>A on the plus strand (G>T on the coding strand, the complement: HOXB13 is on the minus strand). VCF-style: chr17-48726829-C-A. GRCh37 (hg19) VCF-style: chr17-46804191-C-A.
Other names: short protein forms K272N.
Identifiers: ClinVar variation 691219 (VCV000691219.4), dbSNP rs1597932452, ClinGen allele CA400105432.
Genomic context (GRCh38, chr17:48,726,829, plus strand): 5'-CCACCCAGGCAAGGAGATCTCTTAAGGGGTAGCGCTGTTCTTCACCTTGGCGAGAACCTT[C>A]TTCTCTTTGACCCGGCGGTTCTGAAACCAGATGGTAATCTGGCGCTCCGAGAGGCTGGTG-3'
Protein context (NP_006352.2, residues 262-282): IWFQNRRVKE[Lys272Asn]KVLAKVKNSA

ClinVar aggregate classification (germline): Uncertain significance. Review status: criteria provided, single submitter (1 of 4 stars). 2 submissions from 2 submitters: Uncertain significance (1). 1 of the submissions does not count toward it. Last evaluated 2023-06-08.

Conditions:
Prostate cancer, hereditary, 1 (HPC1). Identifiers: Orphanet 1331, MedGen C4722327, MONDO:0011098, OMIM 601518.
Hereditary cancer-predisposing syndrome. Also called: Neoplastic Syndromes, Hereditary; Tumor predisposition; Hereditary neoplastic syndrome; Hereditary Cancer Syndrome. Identifiers: Orphanet 140162, MedGen C0027672, MeSH D009386, MONDO:0015356.

gnomAD v4.1: 1 of 1,614,216 alleles (0.000062%); highest among the groups gnomAD compares: South Asian, 0.0011%; no homozygotes.

Submissions (2):

Ambry Genetics
Classification: Uncertain significance for Hereditary cancer-predisposing syndrome. Last evaluated: 2023-06-08. Review status: criteria provided, single submitter. Criteria: Ambry Variant Classification Scheme 2023. Collection method: clinical testing. Allele origin: germline.
Comment: The p.K272N variant (also known as c.816G>T), located in coding exon 2 of the HOXB13 gene, results from a G to T substitution at nucleotide position 816. The lysine at codon 272 is replaced by asparagine, an amino acid with similar properties. This amino acid position is conserved. In addition, this alteration is predicted to be deleterious by in silico analysis. Since supporting evidence is limited at this time, the clinical significance of this alteration remains unclear.

Laboratory of Virology, Microbiology,  Quality and Medical Biotechnologies, Faculty of Sciences and Techniques - Mohammedia, Hassan II University of Casablanca
Classification: Uncertain significance for Prostate cancer, hereditary, 1. Review status: no assertion criteria provided. Collection method: clinical testing. Allele origin: somatic. Affected: yes. Not counted in ClinVar's aggregate classification.